The following is an entry in ClinVar:

NM_003126.4(SPTA1):c.2029A>T (p.Lys677Ter)

Gene: SPTA1 (spectrin alpha, erythrocytic 1; minus strand). Cytogenetic location: 1q23.1.
Variant type: single nucleotide variant.
Coding change: c.2029A>T on transcript NM_003126.4 (MANE Select); coding-DNA position 2029, A replaced by T.
Protein change: p.Lys677Ter; replaces lysine 677 with a stop codon.
Molecular consequence: nonsense.
Genome position (GRCh38, 1-based): chr1:158,667,867, T>A on the plus strand (A>T on the coding strand, the complement: SPTA1 is on the minus strand). VCF-style: chr1-158667867-T-A. GRCh37 (hg19) VCF-style: chr1-158637657-T-A.
Other names: short protein forms K677*.
Identifiers: ClinVar variation 4685665 (VCV004685665.1).

ClinVar aggregate classification (germline): Likely pathogenic (1 of 4 stars; one submission).

Submission:

ARUP Laboratories, Molecular Genetics and Genomics, ARUP Laboratories
Classification: Likely pathogenic. Last evaluated: 2025-03-06. Review status: criteria provided, single submitter. Criteria: ARUP Molecular Germline Variant Investigation Process 2024. Collection method: clinical testing. Allele origin: germline.
Comment: The SPTA1 c.2029A>T; p.Lys677Ter, to our knowledge, is not reported in the medical literature or gene specific databases. This variant is also absent from the Genome Aggregation Database (v2.1.1), indicating it is not a common polymorphism. This variant induces an early termination codon and is predicted to result in a truncated protein or mRNA subject to nonsense-mediated decay. Based on available information, this variant is considered to be likely pathogenic.